The following is an entry in ClinVar:

ClinVar aggregate classification (germline): Uncertain significance. Review status: criteria provided, multiple submitters, no conflicts (2 of 4 stars). 2 submissions from 2 submitters: Uncertain significance (2). Last evaluated 2025-11-05.

Conditions:
Peroxisome biogenesis disorder. Identifiers: Orphanet 79189, MedGen C1832200, MONDO:0019234. Disease mechanism: loss of function.
Inborn genetic diseases. Identifiers: MedGen C0950123, MeSH D030342.

Allele frequency attached by ClinVar (database versions not stated): gnomAD exomes below 0.00001 and 0.00001; ExAC 0.00001; gnomAD 0.00001; TOPMed 0.00001.
gnomAD v4.1: 14 of 1,614,038 alleles (0.00087%); highest among the groups gnomAD compares: Non-Finnish European, 0.00093%; no homozygotes.

Submissions (2):

Ambry Genetics
Classification: Uncertain significance for Inborn genetic diseases. Last evaluated: 2025-11-05. Review status: criteria provided, single submitter. Criteria: Ambry Variant Classification Scheme 2023. Collection method: clinical testing. Allele origin: germline.

Labcorp Genetics (formerly Invitae), Labcorp
Classification: Uncertain significance for Peroxisome biogenesis disorder. Last evaluated: 2022-07-04. Review status: criteria provided, single submitter. Criteria: Invitae Variant Classification Sherloc (09022015). Collection method: clinical testing. Allele origin: germline.
Comment: This sequence change replaces valine, which is neutral and non-polar, with leucine, which is neutral and non-polar, at codon 547 of the PEX6 protein (p.Val547Leu). This variant is present in population databases (rs757202336, gnomAD 0.007%). This variant has not been reported in the literature in individuals affected with PEX6-related conditions. ClinVar contains an entry for this variant (Variation ID: 1484888). Algorithms developed to predict the effect of missense changes on protein structure and function are either unavailable or do not agree on the potential impact of this missense change (SIFT: "Tolerated"; PolyPhen-2: "Possibly Damaging"; Align-GVGD: "Class C0"). In summary, the available evidence is currently insufficient to determine the role of this variant in disease. Therefore, it has been classified as a Variant of Uncertain Significance.

NM_000287.4(PEX6):c.1639G>T (p.Val547Leu)

Gene: PEX6 (peroxisomal biogenesis factor 6; minus strand). Cytogenetic location: 6p21.1.
Variant type: single nucleotide variant.
Coding change: c.1639G>T on transcript NM_000287.4 (MANE Select); coding-DNA position 1639, G replaced by T.
Protein change: p.Val547Leu; replaces valine 547 with leucine.
Molecular consequence: missense variant. On other transcripts: non-coding transcript variant (1).
Genome position (GRCh38, 1-based): chr6:42,968,339, C>A on the plus strand (G>T on the coding strand, the complement: PEX6 is on the minus strand). VCF-style: chr6-42968339-C-A. GRCh37 (hg19) VCF-style: chr6-42936077-C-A.
Other names: c.1375G>T, p.Val459Leu (NM_001316313.2); c.1639G>T (NM_000287.3); short protein forms V459L, V547L.
Identifiers: ClinVar variation 1484888 (VCV001484888.6), dbSNP rs757202336, ClinGen allele CA3811275.